The following is an entry in ClinVar:

NM_000553.6(WRN):c.2462C>T (p.Thr821Ile)

Gene: WRN (WRN RecQ like helicase; plus strand). Cytogenetic location: 8p12.
Variant type: single nucleotide variant.
Coding change: c.2462C>T on transcript NM_000553.6 (MANE Select); coding-DNA position 2462, C replaced by T.
Protein change: p.Thr821Ile; replaces threonine 821 with isoleucine.
Molecular consequence: missense variant.
Genome position (GRCh38, 1-based): chr8:31,120,256, C>T. VCF-style: chr8-31120256-C-T. GRCh37 (hg19) VCF-style: chr8-30977772-C-T.
Other names: short protein forms T821I.
Identifiers: ClinVar variation 940314 (VCV000940314.5), dbSNP rs1276836509, ClinGen allele CA370915198.

ClinVar aggregate classification (germline): Uncertain significance (1 of 4 stars; one submission).

Conditions:
Werner syndrome (WRN). Identifiers: Orphanet 902, MedGen C0043119, MONDO:0010196, OMIM 277700.

Allele frequency attached by ClinVar (database versions not stated): gnomAD exomes below 0.00001.
gnomAD v4.1: 1 of 1,612,530 alleles (0.000062%); highest among the groups gnomAD compares: East Asian, 0.0022%; no homozygotes.

Submission:

Labcorp Genetics (formerly Invitae), Labcorp
Classification: Uncertain significance for Werner syndrome. Last evaluated: 2020-09-01. Review status: criteria provided, single submitter. Criteria: Invitae Variant Classification Sherloc (09022015). Collection method: clinical testing. Allele origin: germline.
Comment: In summary, the available evidence is currently insufficient to determine the role of this variant in disease. Therefore, it has been classified as a Variant of Uncertain Significance. Algorithms developed to predict the effect of missense changes on protein structure and function (SIFT, PolyPhen-2, Align-GVGD) all suggest that this variant is likely to be disruptive, but these predictions have not been confirmed by published functional studies and their clinical significance is uncertain. This variant has not been reported in the literature in individuals with WRN-related conditions. This variant is not present in population databases (ExAC no frequency). This sequence change replaces threonine with isoleucine at codon 821 of the WRN protein (p.Thr821Ile). The threonine residue is highly conserved and there is a moderate physicochemical difference between threonine and isoleucine.